The following is an entry in ClinVar:

NM_001077350.3(NPRL3):c.726dup (p.Ile243fs)

Genes: HBA-LCR (alpha-globin locus control region; plus strand), NPRL3 (NPR3 like, GATOR1 complex subunit; minus strand). Cytogenetic location: 16p13.3.
Variant type: Duplication.
Coding change: c.726dup on transcript NM_001077350.3 (MANE Select); coding-DNA position 726, one base duplicated (G; older notation c.726dupG).
Protein change: p.Ile243fs; shifts the reading frame from isoleucine 243.
Molecular consequence: frameshift variant.
Genome position (GRCh38, 1-based): chr16:100,413, C duplicated on the plus strand (G on the coding strand, the reverse complement: NPRL3 is on the minus strand). VCF-style (leftmost placement, unchanged base first): chr16-100412-T-TC. GRCh37 (hg19) VCF-style: chr16-150410-T-TC.
Other names: c.189dup, p.Ile64fs (NM_001039476.3); c.492dup, p.Ile165fs (NM_001243247.2); c.651dup, p.Ile218fs (NM_001243248.2, NM_001243249.2); short protein forms I165fs, I218fs, I243fs, I64fs.
Identifiers: ClinVar variation 1069967 (VCV001069967.7), dbSNP rs2141925225, ClinGen allele CA2499223189.

ClinVar aggregate classification (germline): Pathogenic (1 of 4 stars; one submission).

Conditions:
Epilepsy, familial focal, with variable foci 3 (FFEVF3). Identifiers: MedGen C4310708, MONDO:0014925, OMIM 617118.

Submission:

Labcorp Genetics (formerly Invitae), Labcorp
Classification: Pathogenic for Epilepsy, familial focal, with variable foci 3. Last evaluated: 2020-08-10. Review status: criteria provided, single submitter. Criteria: Invitae Variant Classification Sherloc (09022015). Collection method: clinical testing. Allele origin: germline.
Comment: For these reasons, this variant has been classified as Pathogenic. Loss-of-function variants in NPRL3 are known to be pathogenic (PMID: 26285051, 26505888). This variant has not been reported in the literature in individuals with NPRL3-related conditions. This variant is not present in population databases (ExAC no frequency). This sequence change creates a premature translational stop signal (p.Ile243Aspfs*24) in the NPRL3 gene. It is expected to result in an absent or disrupted protein product.

Literature cited by the submitters: PubMed 26285051; PubMed 26505888.